The following is an entry in ClinVar:

ClinVar aggregate classification (germline): Uncertain significance (1 of 4 stars; one submission).

Conditions:
Combined immunodeficiency due to LRBA deficiency. Also called: Common variable immunodeficiency 8, with autoimmunity. Identifiers: Orphanet 445018, MedGen C3553512, MONDO:0013863, OMIM 614700.

Allele frequency attached by ClinVar (database versions not stated): gnomAD exomes below 0.00001; ExAC 0.00001.
gnomAD v4.1: 4 of 1,609,928 alleles (0.00025%); highest among the groups gnomAD compares: Non-Finnish European, 0.00025%; no homozygotes.

Submission:

Labcorp Genetics (formerly Invitae), Labcorp
Classification: Uncertain significance for Combined immunodeficiency due to LRBA deficiency. Last evaluated: 2025-09-08. Review status: criteria provided, single submitter. Criteria: Invitae Variant Classification Sherloc (09022015). Collection method: clinical testing. Allele origin: germline.
Comment: This sequence change replaces valine, which is neutral and non-polar, with glycine, which is neutral and non-polar, at codon 943 of the LRBA protein (p.Val943Gly). This variant is present in population databases (rs748232369, gnomAD 0.0009%). This variant has not been reported in the literature in individuals affected with LRBA-related conditions. ClinVar contains an entry for this variant (Variation ID: 1354162). Invitae Evidence Modeling of protein sequence and biophysical properties (such as structural, functional, and spatial information, amino acid conservation, physicochemical variation, residue mobility, and thermodynamic stability) indicates that this missense variant is not expected to disrupt LRBA protein function with a negative predictive value of 80%. In summary, the available evidence is currently insufficient to determine the role of this variant in disease. Therefore, it has been classified as a Variant of Uncertain Significance.

NM_001364905.1(LRBA):c.2828T>G (p.Val943Gly)

Gene: LRBA (LPS responsive beige-like anchor protein; minus strand). Cytogenetic location: 4q31.3.
Variant type: single nucleotide variant.
Coding change: c.2828T>G on transcript NM_001364905.1 (MANE Select); coding-DNA position 2828, T replaced by G.
Protein change: p.Val943Gly; replaces valine 943 with glycine.
Molecular consequence: missense variant.
Genome position (GRCh38, 1-based): chr4:150,852,882, A>C on the plus strand (T>G on the coding strand, the complement: LRBA is on the minus strand). VCF-style: chr4-150852882-A-C. GRCh37 (hg19) VCF-style: chr4-151774034-A-C.
Other names: c.2828T>G, p.Val943Gly (NM_001199282.3, NM_001367550.1, NM_006726.5); short protein forms V943G.
Identifiers: ClinVar variation 1354162 (VCV001354162.6), dbSNP rs748232369, ClinGen allele CA3103132.